The following is an entry in ClinVar:

NM_017654.4(SAMD9):c.1008T>G (p.Ser336Arg)

Gene: SAMD9 (sterile alpha motif domain containing 9; minus strand). Cytogenetic location: 7q21.2.
Variant type: single nucleotide variant.
Coding change: c.1008T>G on transcript NM_017654.4 (MANE Select); coding-DNA position 1008, T replaced by G.
Protein change: p.Ser336Arg; replaces serine 336 with arginine.
Molecular consequence: missense variant.
Genome position (GRCh38, 1-based): chr7:93,105,090, A>C on the plus strand (T>G on the coding strand, the complement: SAMD9 is on the minus strand). VCF-style: chr7-93105090-A-C. GRCh37 (hg19) VCF-style: chr7-92734403-A-C.
Other names: c.1008T>G, p.Ser336Arg (NM_001193307.2); short protein forms S336R.
Identifiers: ClinVar variation 4843145 (VCV004843145.1).

ClinVar aggregate classification (germline): Uncertain significance (1 of 4 stars; one submission).

Conditions:
Inborn genetic diseases. Identifiers: MedGen C0950123, MeSH D030342.

Submission:

Ambry Genetics
Classification: Uncertain significance for Inborn genetic diseases. Last evaluated: 2026-01-14. Review status: criteria provided, single submitter. Criteria: Ambry Variant Classification Scheme 2023. Collection method: clinical testing. Allele origin: germline.
Comment: The p.S336R variant (also known as c.1008T>G), located in coding exon 1 of the SAMD9 gene, results from a T to G substitution at nucleotide position 1008. The serine at codon 336 is replaced by arginine, an amino acid with dissimilar properties. This amino acid position is conserved. In addition, this alteration is predicted to be tolerated by in silico analysis. Based on the available evidence, the clinical significance of this variant remains unclear.